The following is an entry in ClinVar:

ClinVar aggregate classification (germline): Pathogenic (1 of 4 stars; one submission).

Submission:

Labcorp Genetics (formerly Invitae), Labcorp
Classification: Pathogenic. Last evaluated: 2022-11-23. Review status: criteria provided, single submitter. Criteria: Invitae Variant Classification Sherloc (09022015). Collection method: clinical testing. Allele origin: germline.
Comment: This variant is present in population databases (no rsID available, gnomAD 0.003%). This sequence change creates a premature translational stop signal (p.Leu1064Trpfs*11) in the POLE gene. It is expected to result in an absent or disrupted protein product. Loss-of-function variants in POLE are known to be pathogenic (PMID: 23230001, 25948378, 30503519). This variant has not been reported in the literature in individuals affected with POLE-related conditions. For these reasons, this variant has been classified as Pathogenic.

Literature cited by the submitters: PubMed 23230001; PubMed 25948378; PubMed 30503519.

NM_006231.4(POLE):c.3190del (p.Leu1064fs)

Gene: POLE (DNA polymerase epsilon, catalytic subunit; minus strand). Cytogenetic location: 12q24.33.
Variant type: Deletion.
Coding change: c.3190del on transcript NM_006231.4 (MANE Select); coding-DNA position 3190, one base deleted (C; older notation c.3190delC).
Protein change: p.Leu1064fs; shifts the reading frame from leucine 1064.
Molecular consequence: frameshift variant.
Genome position (GRCh38, 1-based): chr12:132,659,380, G deleted on the plus strand (C on the coding strand, the reverse complement: POLE is on the minus strand); the first of 2 consecutive G bases (chr12:132,659,380-132,659,381); deleting either gives the same sequence. VCF-style (leftmost placement, unchanged base first): chr12-132659379-AG-A. GRCh37 (hg19) VCF-style: chr12-133235965-AG-A.
Other names: short protein forms L1064fs.
Identifiers: ClinVar variation 2851492 (VCV002851492.3), dbSNP rs1391324814, ClinGen allele CA608514181.